The following is an entry in ClinVar:

NM_152703.5(SAMD9L):c.170A>G (p.Glu57Gly)

Gene: SAMD9L (sterile alpha motif domain containing 9 like; minus strand). Cytogenetic location: 7q21.2.
Variant type: single nucleotide variant.
Coding change: c.170A>G on transcript NM_152703.5 (MANE Select); coding-DNA position 170, A replaced by G.
Protein change: p.Glu57Gly; replaces glutamic acid 57 with glycine.
Molecular consequence: missense variant.
Genome position (GRCh38, 1-based): chr7:93,135,802, T>C on the plus strand (A>G on the coding strand, the complement: SAMD9L is on the minus strand). VCF-style: chr7-93135802-T-C. GRCh37 (hg19) VCF-style: chr7-92765115-T-C.
Other names: c.170A>G, p.Glu57Gly (NM_001303496.3, NM_001303497.3, NM_001303498.3 and 5 more transcripts); short protein forms E57G.
Identifiers: ClinVar variation 3792200 (VCV003792200.1).
Genomic context (GRCh38, chr7:93,135,802, plus strand): 5'-CTATTCAATTTGTTGTATGAACGTTTTATCAAAAGTGCTGGACCCCATGGTAGCCCCATT[T>C]CTACAAGGTCCTTCTCAGTTAATTCCTGCAGGACTAATCCTGTTACTTCTTCACTGAGCA-3'
Protein context (NP_689916.2, residues 47-67): LQELTEKDLV[Glu57Gly]MGLPWGPALL

ClinVar aggregate classification (germline): Uncertain significance (1 of 4 stars; one submission).

Conditions:
Inborn genetic diseases. Identifiers: MedGen C0950123, MeSH D030342.

gnomAD v4.1: 6 of 1,614,044 alleles (0.00037%); highest among the groups gnomAD compares: Non-Finnish European, 0.00025%; no homozygotes.

Submission:

Ambry Genetics
Classification: Uncertain significance for Inborn genetic diseases. Last evaluated: 2024-12-14. Review status: criteria provided, single submitter. Criteria: Ambry Variant Classification Scheme 2023. Collection method: clinical testing. Allele origin: germline.
Comment: The p.E57G variant (also known as c.170A>G), located in coding exon 1 of the SAMD9L gene, results from an A to G substitution at nucleotide position 170. The glutamic acid at codon 57 is replaced by glycine, an amino acid with similar properties. This amino acid position is conserved. In addition, this alteration is predicted to be tolerated by in silico analysis. Based on the available evidence, the clinical significance of this variant remains unclear.